The following is an entry in ClinVar:

ClinVar aggregate classification (germline): Uncertain significance. Review status: criteria provided, multiple submitters, no conflicts (2 of 4 stars). 2 submissions from 2 submitters: Uncertain significance (2). Last evaluated 2025-09-08.

Allele frequency attached by ClinVar (database versions not stated): gnomAD 0.00003; TOPMed 0.00003; gnomAD exomes 0.00006; ESP Exome Variant Server 0.00008; ExAC 0.00011; 1000 Genomes Project 0.00020; 1000 Genomes Project 30x 0.00031.
gnomAD v4.1: 90 of 1,611,298 alleles (0.0056%); highest among the groups gnomAD compares: Non-Finnish European, 0.007%; no homozygotes.

Submissions (2):

Labcorp Genetics (formerly Invitae), Labcorp
Classification: Uncertain significance. Last evaluated: 2025-09-08. Review status: criteria provided, single submitter. Criteria: Invitae Variant Classification Sherloc (09022015). Collection method: clinical testing. Allele origin: germline.
Comment: This sequence change replaces proline, which is neutral and non-polar, with leucine, which is neutral and non-polar, at codon 344 of the CEP97 protein (p.Pro344Leu). This variant is present in population databases (rs150469920, gnomAD 0.01%). This variant has not been reported in the literature in individuals affected with CEP97-related conditions. ClinVar contains an entry for this variant (Variation ID: 2071650). Invitae Evidence Modeling of protein sequence and biophysical properties (such as structural, functional, and spatial information, amino acid conservation, physicochemical variation, residue mobility, and thermodynamic stability) indicates that this missense variant is not expected to disrupt CEP97 protein function with a negative predictive value of 80%. In summary, the available evidence is currently insufficient to determine the role of this variant in disease. Therefore, it has been classified as a Variant of Uncertain Significance.

Ambry Genetics
Classification: Uncertain significance. Last evaluated: 2024-07-27. Review status: criteria provided, single submitter. Criteria: Ambry Variant Classification Scheme 2023. Collection method: clinical testing. Allele origin: germline.

NM_024548.4(CEP97):c.1031C>T (p.Pro344Leu)

Gene: CEP97 (centrosomal protein 97; plus strand). Cytogenetic location: 3q12.3.
Variant type: single nucleotide variant.
Coding change: c.1031C>T on transcript NM_024548.4 (MANE Select); coding-DNA position 1031, C replaced by T.
Protein change: p.Pro344Leu; replaces proline 344 with leucine.
Molecular consequence: missense variant. On other transcripts: intron variant (1).
Genome position (GRCh38, 1-based): chr3:101,757,637, C>T. VCF-style: chr3-101757637-C-T. GRCh37 (hg19) VCF-style: chr3-101476481-C-T.
Other names: c.929C>T, p.Pro310Leu (NM_001410784.1); c.1028-174C>T (NM_001303401.2); c.1031C>T (NM_024548.2); short protein forms P310L, P344L.
Identifiers: ClinVar variation 2071650 (VCV002071650.5), dbSNP rs150469920, ClinGen allele CA2522059.
Genomic context (GRCh38, chr3:101,757,637, plus strand): 5'-ACATAACTAAAATGTAAACATTTAGTGGTTTAAATGATACTCTGTTGATTCTTCTAGAAC[C>T]CGTCATTCAAGTGAATTCTTGGGTTGGGATAAACAGTAATGATGATCAGTTATTTGCGGT-3'
Protein context (NP_078824.2, residues 334-354): QDCQISQESE[Pro344Leu]VIQVNSWVGI